The following is an entry in ClinVar:

ClinVar aggregate classification (germline): Benign (0 of 4 stars; one submission).

Conditions:
UNC50-related disorder. Also called: UNC50-related condition.

Allele frequency attached by ClinVar (database versions not stated): TOPMed 0.00203; gnomAD 0.00221; 1000 Genomes Project 0.00080; ESP Exome Variant Server 0.00215; ExAC 0.00260; 1000 Genomes Project 30x 0.00078.
gnomAD v4.1: 5,066 of 1,611,216 alleles (0.31%); highest among the groups gnomAD compares: Non-Finnish European, 0.37%; 11 homozygotes.

Submissions (2):

PreventionGenetics, part of Exact Sciences
Classification: Benign for UNC50-related condition. Last evaluated: 2019-09-05. Review status: no assertion criteria provided. Collection method: clinical testing. Allele origin: germline.
Comment: This variant is classified as benign based on ACMG/AMP sequence variant interpretation guidelines (Richards et al. 2015 PMID: 25741868, with internal and published modifications).

Dr. Peter K. Rogan Lab, Western University
No classification provided (evidence only). Condition: Malignant tumor of urinary bladder. Review status: no classification provided. Collection method: in vitro. Allele origin: not applicable. Functional consequence: retained intron. Not counted in ClinVar's aggregate classification.

NM_014044.7(UNC50):c.640A>G (p.Ser214Gly)

Gene: UNC50 (unc-50 inner nuclear membrane RNA binding protein; plus strand). Cytogenetic location: 2q11.2.
Variant type: single nucleotide variant.
Coding change: c.640A>G on transcript NM_014044.7 (MANE Select); coding-DNA position 640, A replaced by G.
Protein change: p.Ser214Gly; replaces serine 214 with glycine.
Molecular consequence: missense variant.
Genome position (GRCh38, 1-based): chr2:98,616,530, A>G. VCF-style: chr2-98616530-A-G. GRCh37 (hg19) VCF-style: chr2-99232993-A-G.
Other names: NC_000002.11:g.99232993A>G; c.640A>G, p.Ser214Gly (NM_001330353.2); c.691A>G, p.Ser231Gly (NM_001330354.2); short protein forms S214G, S231G.
Identifiers: ClinVar variation 3052492 (VCV003052492.3), dbSNP rs114644306, ClinGen allele CA1795329.